The following is an entry in ClinVar:

ClinVar aggregate classification (germline): Conflicting classifications of pathogenicity. Review status: criteria provided, conflicting classifications (1 of 4 stars). 4 submissions from 4 submitters: Likely pathogenic (2); Uncertain significance (2). Last evaluated 2025-03-18.

Conditions:
Familial thoracic aortic aneurysm and aortic dissection (TAAD). Also called: Thoracic aortic aneurysms and dissections. Identifiers: Orphanet 91387, MedGen C4707243, MONDO:0019625.
Marfan syndrome (MFS). Also called: Marfan syndrome type 1; Marfan's syndrome; Marfan syndrome, classic; MARFAN SYNDROME, TYPE I; FBN1-Related Marfan Syndrome. Identifiers: Orphanet 284963, Orphanet 558, MedGen C0024796, MONDO:0007947, OMIM 154700.

Submissions (4):

Ambry Genetics
Classification: Uncertain significance for Familial thoracic aortic aneurysm and aortic dissection. Last evaluated: 2025-03-18. Review status: criteria provided, single submitter. Criteria: Ambry Variant Classification Scheme 2023. Collection method: clinical testing. Allele origin: germline.
Comment: The c.2677G>T variant (also known as p.D893Y), located in coding exon 21 of the FBN1 gene, results from a G to T substitution at nucleotide position 2677. The amino acid change results in aspartic acid to tyrosine at codon 893, an amino acid with highly dissimilar properties. However, this change occurs in the last base pair of coding exon 21, which makes it likely to have some effect on normal mRNA splicing. This nucleotide position is highly conserved in available vertebrate species. This amino acid position is highly conserved in available vertebrate species. In silico splice site analysis predicts that this alteration will result in the creation or strengthening of a novel splice donor site. In addition, as a missense substitution this is predicted to be deleterious by in silico analysis. Based on the available evidence, the clinical significance of this variant remains unclear.

Labcorp Genetics (formerly Invitae), Labcorp
Classification: Uncertain significance for Marfan syndrome; Familial thoracic aortic aneurysm and aortic dissection. Last evaluated: 2022-09-26. Review status: criteria provided, single submitter. Criteria: Invitae Variant Classification Sherloc (09022015). Collection method: clinical testing. Allele origin: germline.
Comment: In summary, the available evidence is currently insufficient to determine the role of this variant in disease. Therefore, it has been classified as a Variant of Uncertain Significance. Variants that disrupt the consensus splice site are a relatively common cause of aberrant splicing (PMID: 17576681, 9536098). Algorithms developed to predict the effect of sequence changes on RNA splicing suggest that this variant may create or strengthen a splice site. Algorithms developed to predict the effect of missense changes on protein structure and function (SIFT, PolyPhen-2, Align-GVGD) all suggest that this variant is likely to be disruptive. ClinVar contains an entry for this variant (Variation ID: 1163973). This variant has not been reported in the literature in individuals affected with FBN1-related conditions. This variant is not present in population databases (gnomAD no frequency). This sequence change replaces aspartic acid, which is acidic and polar, with tyrosine, which is neutral and polar, at codon 893 of the FBN1 protein (p.Asp893Tyr). This variant also falls at the last nucleotide of exon 22, which is part of the consensus splice site for this exon.

GeneDx
Classification: Likely pathogenic. Last evaluated: 2021-11-23. Review status: criteria provided, single submitter. Criteria: GeneDx Variant Classification Process June 2021. Collection method: clinical testing. Allele origin: germline. Affected: yes.
Comment: Has not been previously published as pathogenic or benign to our knowledge; Not observed in large population cohorts (Lek et al., 2016); At the protein level, in silico analysis supports that this missense variant has a deleterious effect on protein structure/function; Located in the last nucleotide position of exon 22, which is part of the splice donor site; At the mRNA level, in silico analysis suggests that this missense variant damages or destroys the splice donor site in intron 22, and is expected to cause abnormal gene splicing; Reported in ClinVar (ClinVar Variant ID# 1163973; Landrum et al., 2016)

Mayo Clinic Laboratories, Mayo Clinic
Classification: Likely pathogenic. Last evaluated: 2019-10-27. Review status: criteria provided, single submitter. Criteria: ACMG Guidelines, 2015. Collection method: clinical testing. Allele origin: germline. Observed: 1 variant allele.
Comment: PM2, PM4, PP2, PP3, PP4

Literature cited by the submitters: PubMed 17576681 (cited by Labcorp Genetics (formerly Invitae), Labcorp); PubMed 9536098 (cited by Labcorp Genetics (formerly Invitae), Labcorp); PubMed 11700157 (cited by Mayo Clinic Laboratories, Mayo Clinic); PubMed 27906200 (cited by Mayo Clinic Laboratories, Mayo Clinic).

NM_000138.5(FBN1):c.2677G>T (p.Asp893Tyr)

Gene: FBN1 (fibrillin 1; minus strand). Cytogenetic location: 15q21.1.
Variant type: single nucleotide variant.
Coding change: c.2677G>T on transcript NM_000138.5 (MANE Select); coding-DNA position 2677, G replaced by T.
Protein change: p.Asp893Tyr; replaces aspartic acid 893 with tyrosine.
Molecular consequence: missense variant.
Genome position (GRCh38, 1-based): chr15:48,495,123, C>A on the plus strand (G>T on the coding strand, the complement: FBN1 is on the minus strand). VCF-style: chr15-48495123-C-A. GRCh37 (hg19) VCF-style: chr15-48787320-C-A.
Other names: short protein forms D893Y.
Identifiers: ClinVar variation 1163973 (VCV001163973.12), dbSNP rs193922193, ClinGen allele CA392331861.